The following is an entry in ClinVar:

NM_000313.4(PROS1):c.496A>C (p.Asn166His)

Gene: PROS1 (protein S; minus strand). Cytogenetic location: 3q11.1.
Variant type: single nucleotide variant.
Coding change: c.496A>C on transcript NM_000313.4 (MANE Select); coding-DNA position 496, A replaced by C.
Protein change: p.Asn166His; replaces asparagine 166 with histidine.
Molecular consequence: missense variant.
Genome position (GRCh38, 1-based): chr3:93,905,889, T>G on the plus strand (A>C on the coding strand, the complement: PROS1 is on the minus strand). VCF-style: chr3-93905889-T-G. GRCh37 (hg19) VCF-style: chr3-93624733-T-G.
Other names: c.592A>C, p.Asn198His (NM_001314077.2); short protein forms N166H, N198H.
Identifiers: ClinVar variation 521331 (VCV000521331.10), dbSNP rs758625995, ClinGen allele CA2503461.

ClinVar aggregate classification (germline): Uncertain significance. Review status: criteria provided, multiple submitters, no conflicts (2 of 4 stars). 3 submissions from 3 submitters: Uncertain significance (3). Last evaluated 2023-09-08.

Conditions:
Thrombophilia due to protein S deficiency, autosomal recessive (THPH6). Identifiers: Orphanet 743, MedGen C3281092, MONDO:0013791, OMIM 614514. Disease mechanism: loss of function.
Thrombophilia due to protein S deficiency, autosomal dominant (THPH5). Identifiers: Orphanet 26349, Orphanet 743, MedGen C3278211, MONDO:0012868, OMIM 612336. Disease mechanism: loss of function.
Inborn genetic diseases. Identifiers: MedGen C0950123, MeSH D030342.

Allele frequency attached by ClinVar (database versions not stated): gnomAD exomes 0.00001 and 0.00004; ExAC 0.00002; gnomAD 0.00002 and 0.00031; TOPMed 0.00053.
gnomAD v4.1: 110 of 1,612,836 alleles (0.0068%); highest among the groups gnomAD compares: Non-Finnish European, 0.0053%; 1 homozygote.

Submissions (3):

Labcorp Genetics (formerly Invitae), Labcorp
Classification: Uncertain significance for Thrombophilia due to protein S deficiency, autosomal recessive. Last evaluated: 2023-09-08. Review status: criteria provided, single submitter. Criteria: Invitae Variant Classification Sherloc (09022015). Collection method: clinical testing. Allele origin: germline.
Comment: This sequence change replaces asparagine, which is neutral and polar, with histidine, which is basic and polar, at codon 166 of the PROS1 protein (p.Asn166His). This variant is present in population databases (rs758625995, gnomAD 0.003%). This variant has not been reported in the literature in individuals affected with PROS1-related conditions. ClinVar contains an entry for this variant (Variation ID: 521331). Advanced modeling of protein sequence and biophysical properties (such as structural, functional, and spatial information, amino acid conservation, physicochemical variation, residue mobility, and thermodynamic stability) has been performed at Invitae for this missense variant, however the output from this modeling did not meet the statistical confidence thresholds required to predict the impact of this variant on PROS1 protein function. In summary, the available evidence is currently insufficient to determine the role of this variant in disease. Therefore, it has been classified as a Variant of Uncertain Significance.

Fulgent Genetics
Classification: Uncertain significance for Thrombophilia due to protein S deficiency, autosomal dominant; Thrombophilia due to protein S deficiency, autosomal recessive. Last evaluated: 2021-09-07. Review status: criteria provided, single submitter. Criteria: ACMG Guidelines, 2015. Collection method: clinical testing. Allele origin: unknown.

Ambry Genetics
Classification: Uncertain significance for Inborn genetic diseases. Last evaluated: 2016-08-17. Review status: criteria provided, single submitter. Criteria: Ambry exome assertion method (8-5-2015). Collection method: clinical testing. Allele origin: germline. Affected: yes. Observed: 1 variant allele.